The following is an entry in ClinVar:

NM_000093.5(COL5A1):c.4692C>A (p.Gly1564=)

Genes: COL5A1 (collagen type V alpha 1 chain; plus strand), LOC101448202 (uncharacterized LOC101448202; minus strand). Cytogenetic location: 9q34.3.
Variant type: single nucleotide variant.
Coding change: c.4692C>A on transcript NM_000093.5 (MANE Select); coding-DNA position 4692, C replaced by A.
Protein change: p.Gly1564=; no amino-acid change (glycine 1564 retained).
Molecular consequence: synonymous variant.
Genome position (GRCh38, 1-based): chr9:134,823,463, C>A. VCF-style: chr9-134823463-C-A. GRCh37 (hg19) VCF-style: chr9-137715309-C-A.
Other names: c.4692C>A, p.Gly1564= (NM_001278074.1).
Identifiers: ClinVar variation 383314 (VCV000383314.11), dbSNP rs61735501, ClinGen allele CA5320420.
Genomic context (GRCh38, chr9:134,823,463, plus strand): 5'-TCTTTCTCCCCAGGGTCCAACTGGCCCGAAGGGTGAGGCAGGCCACCCAGGACCCCCAGG[C>A]CCCCCGGTAAGTAGCCCTTGAAGCCCAGAAAGCGGGACGGGGGCTCTGGCTAGCTCCGAG-3'
Protein context (NP_000084.3, residues 1554-1574): KGEAGHPGPP[Gly1564=]PPGPPGEVIQ

ClinVar aggregate classification (germline): Benign/Likely benign. Review status: criteria provided, multiple submitters, no conflicts (2 of 4 stars). 4 submissions from 4 submitters: Benign (1); Likely benign (3). Last evaluated 2025-10-06.

Conditions:
Ehlers-Danlos syndrome, classic type, 1 (EDSCL1). Also called: EHLERS-DANLOS SYNDROME, GRAVIS TYPE; EHLERS-DANLOS SYNDROME, SEVERE CLASSIC TYPE; Ehlers-Danlos Syndrome, Classic Type, COL5A1-Related; EDS I; Ehlers-Danlos syndrome, type 1. Identifiers: MedGen C0268335, MONDO:0019567, OMIM 130000.
Familial thoracic aortic aneurysm and aortic dissection (TAAD). Also called: Thoracic aortic aneurysms and dissections. Identifiers: Orphanet 91387, MedGen C4707243, MONDO:0019625.

Allele frequency attached by ClinVar (database versions not stated): TOPMed 0.00002; 1000 Genomes Project 0.00060; 1000 Genomes Project 30x 0.00062.
gnomAD v4.1: 55 of 1,613,972 alleles (0.0034%); highest among the groups gnomAD compares: South Asian, 0.034%; 1 homozygote.

Submissions (4):

Labcorp Genetics (formerly Invitae), Labcorp
Classification: Likely benign for Ehlers-Danlos syndrome, classic type, 1. Last evaluated: 2025-10-06. Review status: criteria provided, single submitter. Criteria: Invitae Variant Classification Sherloc (09022015). Collection method: clinical testing. Allele origin: germline.

Women's Health and Genetics/Laboratory Corporation of America, LabCorp
Classification: Benign. Last evaluated: 2025-07-18. Review status: criteria provided, single submitter. Criteria: LabCorp Variant Classification Summary - May 2015. Collection method: clinical testing. Allele origin: germline.

Ambry Genetics
Classification: Likely benign for Familial thoracic aortic aneurysm and aortic dissection. Last evaluated: 2022-11-14. Review status: criteria provided, single submitter. Criteria: Ambry Variant Classification Scheme 2023. Collection method: clinical testing. Allele origin: germline.

GeneDx
Classification: Likely benign. Last evaluated: 2016-01-28. Review status: criteria provided, single submitter. Criteria: GeneDx Variant Classification (06012015). Collection method: clinical testing. Allele origin: germline. Affected: yes.
Comment: This variant is considered likely benign or benign based on one or more of the following criteria: it is a conservative change, it occurs at a poorly conserved position in the protein, it is predicted to be benign by multiple in silico algorithms, and/or has population frequency not consistent with disease.